The following is an entry in ClinVar:

ClinVar aggregate classification (germline): Uncertain significance. Review status: criteria provided, multiple submitters, no conflicts (2 of 4 stars). 3 submissions from 3 submitters: Uncertain significance (3). Last evaluated 2026-02-01.

Conditions:
Autosomal recessive severe congenital neutropenia due to CSF3R deficiency. Also called: Neutropenia, severe congenital, 7, autosomal recessive. Identifiers: Orphanet 420702, MedGen C4310764, MONDO:0014865, OMIM 617014.

Allele frequency attached by ClinVar (database versions not stated): gnomAD exomes 0.00002 and 0.00006; ExAC 0.00008; TOPMed 0.00019; gnomAD 0.00023 and 0.00026; ESP Exome Variant Server 0.00031.
gnomAD v4.1: 66 of 1,613,896 alleles (0.0041%); highest among the groups gnomAD compares: African/African-American, 0.057%; no homozygotes.

Submissions (3):

Labcorp Genetics (formerly Invitae), Labcorp
Classification: Uncertain significance for Autosomal recessive severe congenital neutropenia due to CSF3R deficiency. Last evaluated: 2026-02-01. Review status: criteria provided, single submitter. Criteria: Invitae Variant Classification Sherloc (09022015). Collection method: clinical testing. Allele origin: germline.
Comment: This sequence change replaces valine, which is neutral and non-polar, with methionine, which is neutral and non-polar, at codon 504 of the CSF3R protein (p.Val504Met). This variant is present in population databases (rs145256322, gnomAD 0.05%). This variant has not been reported in the literature in individuals affected with CSF3R-related conditions. ClinVar contains an entry for this variant (Variation ID: 660923). Invitae Evidence Modeling of protein sequence and biophysical properties (such as structural, functional, and spatial information, amino acid conservation, physicochemical variation, residue mobility, and thermodynamic stability) indicates that this missense variant is expected to disrupt CSF3R protein function with a positive predictive value of 80%. In summary, the available evidence is currently insufficient to determine the role of this variant in disease. Therefore, it has been classified as a Variant of Uncertain Significance.

Dasa
Classification: Uncertain significance. Last evaluated: 2025-09-18. Review status: criteria provided, single submitter. Criteria: DASA Assertion Criteria. Collection method: clinical testing. Allele origin: germline.
Comment: NM_000760.4(CSF3R):c.1510G>A (p.Val504Met) is a missense variant that results in the substitution of valine with methionine. This variant is rare in population databases. The currently available literature and clinical evidence are not sufficient to establish a definitive association between this variant and the reported condition. Therefore, this variant is classified as a variant of uncertain significance.

Blueprint Genetics
Classification: Uncertain significance. Last evaluated: 2022-09-23. Review status: criteria provided, single submitter. Criteria: ACMG Guidelines, 2015. Collection method: clinical testing. Allele origin: germline.

NM_000760.4(CSF3R):c.1510G>A (p.Val504Met)

Gene: CSF3R (colony stimulating factor 3 receptor; minus strand). Cytogenetic location: 1p34.3.
Variant type: single nucleotide variant.
Coding change: c.1510G>A on transcript NM_000760.4 (MANE Select); coding-DNA position 1510, G replaced by A.
Protein change: p.Val504Met; replaces valine 504 with methionine.
Molecular consequence: missense variant.
Genome position (GRCh38, 1-based): chr1:36,469,222, C>T on the plus strand (G>A on the coding strand, the complement: CSF3R is on the minus strand). VCF-style: chr1-36469222-C-T. GRCh37 (hg19) VCF-style: chr1-36934823-C-T.
Other names: c.1510G>A, p.Val504Met (LRG_144t1, NM_156039.3, NM_172313.3); short protein forms V504M.
Identifiers: ClinVar variation 660923 (VCV000660923.11), dbSNP rs145256322, ClinGen allele CA769160.